The following is an entry in ClinVar:

NM_001367624.2(ZNF469):c.266A>G (p.Lys89Arg)

Gene: ZNF469 (zinc finger protein 469; plus strand). Cytogenetic location: 16q24.2.
Variant type: single nucleotide variant.
Coding change: c.266A>G on transcript NM_001367624.2 (MANE Select); coding-DNA position 266, A replaced by G.
Protein change: p.Lys89Arg; replaces lysine 89 with arginine.
Molecular consequence: missense variant.
Genome position (GRCh38, 1-based): chr16:88,427,736, A>G. VCF-style: chr16-88427736-A-G. GRCh37 (hg19) VCF-style: chr16-88494144-A-G.
Other names: NM_001127464.1:c.266A>G; NM_001127464.2:c.266A>G; short protein forms K89R.
Identifiers: ClinVar variation 1218458 (VCV001218458.12), dbSNP rs1022368248, ClinGen allele CA286371466.

ClinVar aggregate classification (germline): Conflicting classifications of pathogenicity. Review status: criteria provided, conflicting classifications (1 of 4 stars). 6 submissions from 6 submitters: Likely pathogenic (1); Uncertain significance (2); Benign (1); Likely benign (2). Last evaluated 2026-06-01.

Conditions:
ZNF469-related disorder. Also called: ZNF469-related condition.
Brittle cornea syndrome 1 (BCS1). Also called: Corneal fragility keratoglobus, blue sclerae AND joint hypermobility; CORNEAL FRAGILITY, KERATOGLOBUS, BLUE SCLERAE, JOINT HYPEREXTENSIBILITY; EDS6B; DYSGENESIS MESODERMALIS CORNEAE ET SCLERAE; FRAGILITAS OCULI WITH JOINT HYPEREXTENSIBILITY. Identifiers: Orphanet 90354, MedGen C0268344, MONDO:0024543, OMIM 229200.
Cardiovascular phenotype. Identifiers: MedGen CN230736.

Allele frequency attached by ClinVar (database versions not stated): gnomAD exomes 0.00006 and 0.00017; gnomAD 0.00009 and 0.00011; TOPMed 0.00012; 1000 Genomes Project 30x 0.00047.
gnomAD v4.1: 96 of 1,539,992 alleles (0.0062%); highest among the groups gnomAD compares: East Asian, 0.21%; no homozygotes.

Submissions (6):

CeGaT Center for Human Genetics Tuebingen
Classification: Uncertain significance. Last evaluated: 2026-06-01. Review status: criteria provided, single submitter. Criteria: CeGaT Center For Human Genetics Tuebingen Variant Classification Criteria Version 2. Collection method: clinical testing. Allele origin: germline. Affected: yes. Observed: 1 variant allele.
Comment: ZNF469: PM2, BP4

Labcorp Genetics (formerly Invitae), Labcorp
Classification: Likely benign. Last evaluated: 2026-01-24. Review status: criteria provided, single submitter. Criteria: Invitae Variant Classification Sherloc (09022015). Collection method: clinical testing. Allele origin: germline.

PreventionGenetics, part of Exact Sciences
Classification: Likely benign for ZNF469-related condition. Last evaluated: 2025-12-12. Review status: criteria provided, single submitter. Criteria: ACMG Guidelines, 2015. Collection method: clinical testing. Allele origin: germline.
Comment: This variant is classified as likely benign based on ACMG/AMP sequence variant interpretation guidelines (Richards et al. 2015 PMID: 25741868, with internal and published modifications).

Ambry Genetics
Classification: Benign for Cardiovascular phenotype. Last evaluated: 2024-10-17. Review status: criteria provided, single submitter. Criteria: Ambry Variant Classification Scheme 2023. Collection method: clinical testing. Allele origin: germline.

GeneDx
Classification: Uncertain significance. Last evaluated: 2022-12-19. Review status: criteria provided, single submitter. Criteria: GeneDx Variant Classification Process June 2021. Collection method: clinical testing. Allele origin: germline. Affected: yes.
Comment: In silico analysis, which includes protein predictors and evolutionary conservation, supports that this variant does not alter protein structure/function; Has not been previously published as pathogenic or benign to our knowledge

Ningxia Clinical Research Institute, People's Hospital of Ningxia Hui Autonomous Region
Classification: Likely pathogenic for Brittle cornea syndrome 1. Review status: criteria provided, single submitter. Criteria: ACMG Guidelines, 2015. Collection method: clinical testing. Allele origin: inherited. Inheritance: Autosomal recessive inheritance. Affected: yes. Observed: 1 compound heterozygote.
Comment: ACMG guidelines: 1. Whole-exome and Sanger sequencing identified compound heterozygous missense variants in ZNF469: c.266A>G (p.Lys89Arg) and c.2617C>A (p.Pro873Thr). 2. c.266A>G (p.Lys89Arg) has not been reported in the literature and is absent from 1000 Genomes and ESP6500; its frequency in ExAC_EAS is only 0.0023 (PM2_Moderate). 3. Cross-species conservation analysis shows that both amino acid positions 89 is highly conserved, suggesting the variants may affect ZNF469 protein structure and function (PP3_Supporting). 4. Multiple bioinformatic tools also predict damaging effects (PP3_Supporting). 5. The proband's clinical presentation is consistent with brittle cornea syndrome (PP4_Supporting). 6. A certified genetic testing laboratory has also classified the variants as pathogenic (PP5_Supporting). 7.qRT-PCR on peripheral-blood RNA showed <5 % residual ZNF469 transcript in the patient, with complete absence of protein, while each heterozygous parent retained ~50 % of normal protein signal. According to the ACMG guidelines,the compound heterozygous variants c.266A>G (p.Lys89Arg) in ZNF469 was classified as likely pathogenic.